The following is an entry in ClinVar:

ClinVar aggregate classification (germline): Uncertain significance (1 of 4 stars; one submission).

Submission:

GeneDx
Classification: Uncertain significance. Last evaluated: 2024-04-16. Review status: criteria provided, single submitter. Criteria: GeneDx Variant Classification Process June 2021. Collection method: clinical testing. Allele origin: germline. Affected: yes.
Comment: Not observed at significant frequency in large population cohorts (gnomAD); In silico analysis supports that this missense variant has a deleterious effect on protein structure/function; Has not been previously published as pathogenic or benign to our knowledge

NM_000222.3(KIT):c.2189A>G (p.Tyr730Cys)

Gene: KIT (KIT proto-oncogene, receptor tyrosine kinase; plus strand). Cytogenetic location: 4q12.
Variant type: single nucleotide variant.
Coding change: c.2189A>G on transcript NM_000222.3 (MANE Select); coding-DNA position 2189, A replaced by G.
Protein change: p.Tyr730Cys; replaces tyrosine 730 with cysteine.
Molecular consequence: missense variant.
Genome position (GRCh38, 1-based): chr4:54,731,375, A>G. VCF-style: chr4-54731375-A-G. GRCh37 (hg19) VCF-style: chr4-55597541-A-G.
Other names: c.2177A>G, p.Tyr726Cys (NM_001093772.2, NM_001385292.1); c.2192A>G, p.Tyr731Cys (NM_001385284.1); c.2186A>G, p.Tyr729Cys (NM_001385285.1); c.2174A>G, p.Tyr725Cys (NM_001385286.1); c.2180A>G, p.Tyr727Cys (NM_001385288.1); c.2189A>G, p.Tyr730Cys (NM_001385290.1); short protein forms Y725C, Y726C, Y727C, Y729C, Y730C, Y731C.
Identifiers: ClinVar variation 3372691 (VCV003372691.1).
Genomic context (GRCh38, chr4:54,731,375, plus strand): 5'-TCATCTCTCCCAGCAGCGATAGTACTAATGAGTACATGGACATGAAACCTGGAGTTTCTT[A>G]TGTTGTCCCAACCAAGGCCGACAAAAGGAGATCTGTGAGAATAGGTGAGTACCTACCTAT-3'
Protein context (NP_000213.1, residues 720-740): EYMDMKPGVS[Tyr730Cys]VVPTKADKRR